The following is an entry in ClinVar:

ClinVar aggregate classification (germline): Conflicting classifications of pathogenicity. Review status: criteria provided, conflicting classifications (1 of 4 stars). 4 submissions from 4 submitters: Uncertain significance (1); Likely benign (2). 1 of the submissions does not count toward it. Last evaluated 2025-04-11.

Conditions:
Peroxisome biogenesis disorder 8A (Zellweger). Also called: Peroxisome biogenesis disorder 8A. Identifiers: Orphanet 912, MedGen C3553959, MONDO:0013942, OMIM 614876.
PEX16-related disorder. Also called: PEX16-related condition.

Allele frequency attached by ClinVar (database versions not stated): 1000 Genomes Project 30x 0.00016; ExAC 0.00017; 1000 Genomes Project 0.00020; gnomAD exomes 0.00022; gnomAD 0.00027; TOPMed 0.00040.

Submissions (4):

Mayo Clinic Laboratories, Mayo Clinic
Classification: Likely benign. Last evaluated: 2025-04-11. Review status: criteria provided, single submitter. Criteria: ACMG Guidelines, 2015. Collection method: clinical testing. Allele origin: germline. Observed: 1 variant allele.
Comment: BS1, BP4, BP7

Blueprint Genetics
Classification: Likely benign. Last evaluated: 2024-11-25. Review status: criteria provided, single submitter. Criteria: ACMG Guidelines, 2015. Collection method: clinical testing. Allele origin: germline.

Illumina Laboratory Services, Illumina
Classification: Uncertain significance for Peroxisome biogenesis disorder 8A (Zellweger). Last evaluated: 2018-01-13. Review status: criteria provided, single submitter. Criteria: ICSL Variant Classification Criteria 13 December 2019. Collection method: clinical testing. Allele origin: germline.

PreventionGenetics, part of Exact Sciences
Classification: Likely benign for PEX16-related condition. Last evaluated: 2019-06-19. Review status: no assertion criteria provided. Collection method: clinical testing. Allele origin: germline. Not counted in ClinVar's aggregate classification.
Comment: This variant is classified as likely benign based on ACMG/AMP sequence variant interpretation guidelines (Richards et al. 2015 PMID: 25741868, with internal and published modifications).

NM_004813.4(PEX16):c.*70C>G

Gene: PEX16 (peroxisomal biogenesis factor 16; minus strand). Cytogenetic location: 11p11.2.
Variant type: single nucleotide variant.
Coding change: c.*70C>G on transcript NM_004813.4 (MANE Select); 70 bases downstream of the stop codon, C replaced by G.
Molecular consequence: 3 prime UTR variant. On other transcripts: intron variant (1).
Genome position (GRCh38, 1-based): chr11:45,910,184, G>C on the plus strand (C>G on the coding strand, the complement: PEX16 is on the minus strand). VCF-style: chr11-45910184-G-C. GRCh37 (hg19) VCF-style: chr11-45931735-G-C.
Other names: p.?; c.953-7C>G (NM_057174.3, NM_057174.2).
Identifiers: ClinVar variation 880426 (VCV000880426.8), dbSNP rs530762140, ClinGen allele CA5959699.
Genomic context (GRCh38, chr11:45,910,184, plus strand): 5'-AGGGCTGTGTGTGGGGCCTGGCCGGTAGGCACGGAGAGGCCGCACGCTGGGACGCTGCCG[G>C]AGTCAGTTTTATTAGGGAAGAGGGGCTCCCTGCCCCACCCCTCCCCACACCCTCCTTCCG-3'